The following is an entry in ClinVar:

NM_182914.3(SYNE2):c.17784G>C (p.Glu5928Asp)

Gene: SYNE2 (spectrin repeat containing nuclear envelope protein 2; plus strand). Cytogenetic location: 14q23.2.
Variant type: single nucleotide variant.
Coding change: c.17784G>C on transcript NM_182914.3 (MANE Select); coding-DNA position 17784, G replaced by C.
Protein change: p.Glu5928Asp; replaces glutamic acid 5928 with aspartic acid.
Molecular consequence: missense variant.
Genome position (GRCh38, 1-based): chr14:64,188,621, G>C. VCF-style: chr14-64188621-G-C. GRCh37 (hg19) VCF-style: chr14-64655339-G-C.
Other names: c.17784G>C, p.Glu5928Asp (NM_015180.6); short protein forms E5928D.
Identifiers: ClinVar variation 4728062 (VCV004728062.1).

ClinVar aggregate classification (germline): Uncertain significance (1 of 4 stars; one submission).

Conditions:
Emery-Dreifuss muscular dystrophy 5, autosomal dominant (EDMD5). Also called: EMERY-DREIFUSS MUSCULAR DYSTROPHY 5. Identifiers: Orphanet 261, MedGen C2751805, MONDO:0013072, OMIM 612999.

Submission:

Labcorp Genetics (formerly Invitae), Labcorp
Classification: Uncertain significance for Emery-Dreifuss muscular dystrophy 5, autosomal dominant. Last evaluated: 2026-01-28. Review status: criteria provided, single submitter. Criteria: Invitae Variant Classification Sherloc (09022015). Collection method: clinical testing. Allele origin: germline.
Comment: This sequence change replaces glutamic acid, which is acidic and polar, with aspartic acid, which is acidic and polar, at codon 5928 of the SYNE2 protein (p.Glu5928Asp). This variant is not present in population databases (gnomAD no frequency). This variant has not been reported in the literature in individuals affected with SYNE2-related conditions. An algorithm developed to predict the effect of missense changes on protein structure and function outputs the following: PolyPhen-2: "Benign". The aspartic acid amino acid residue is found in multiple mammalian species, which suggests that this missense change does not adversely affect protein function. In summary, the available evidence is currently insufficient to determine the role of this variant in disease. Therefore, it has been classified as a Variant of Uncertain Significance.